The following is an entry in ClinVar:

NM_004725.4(BUB3):c.295A>G (p.Ile99Val)

Gene: BUB3 (BUB3 mitotic checkpoint protein; plus strand). Cytogenetic location: 10q26.13.
Variant type: single nucleotide variant.
Coding change: c.295A>G on transcript NM_004725.4 (MANE Select); coding-DNA position 295, A replaced by G.
Protein change: p.Ile99Val; replaces isoleucine 99 with valine.
Molecular consequence: missense variant.
Genome position (GRCh38, 1-based): chr10:123,157,758, A>G. VCF-style: chr10-123157758-A-G. GRCh37 (hg19) VCF-style: chr10-124917274-A-G.
Other names: c.295A>G, p.Ile99Val (NM_001007793.3); short protein forms I99V.
Identifiers: ClinVar variation 1798142 (VCV001798142.3), dbSNP rs751263267, ClinGen allele CA5731570.

ClinVar aggregate classification (germline): Uncertain significance (1 of 4 stars; one submission).

Allele frequency attached by ClinVar (database versions not stated): ExAC 0.00001.

Submission:

Ambry Genetics
Classification: Uncertain significance. Last evaluated: 2023-09-04. Review status: criteria provided, single submitter. Criteria: Ambry Variant Classification Scheme 2023. Collection method: clinical testing. Allele origin: germline.
Comment: The p.I99V variant (also known as c.295A>G), located in coding exon 3 of the BUB3 gene, results from an A to G substitution at nucleotide position 295. The isoleucine at codon 99 is replaced by valine, an amino acid with highly similar properties. This amino acid position is conserved. In addition, this alteration is predicted to be tolerated by in silico analysis. Since supporting evidence is limited at this time, the clinical significance of this alteration remains unclear.